The following is an entry in ClinVar:

NM_015650.4(IFT54):c.1709C>T (p.Ser570Leu)

Gene: IFT54 (intraflagellar transport 54; plus strand). Cytogenetic location: 2q37.3.
Variant type: single nucleotide variant.
Coding change: c.1709C>T on transcript NM_015650.4 (MANE Select); coding-DNA position 1709, C replaced by T.
Protein change: p.Ser570Leu; replaces serine 570 with leucine.
Molecular consequence: missense variant.
Genome position (GRCh38, 1-based): chr2:238,397,478, C>T. VCF-style: chr2-238397478-C-T. GRCh37 (hg19) VCF-style: chr2-239306119-C-T.
Other names: c.1511C>T, p.Ser504Leu (NM_001139490.1); short protein forms S504L, S570L.
Identifiers: ClinVar variation 1421843 (VCV001421843.6), dbSNP rs148812100, ClinGen allele CA2198553.

ClinVar aggregate classification (germline): Uncertain significance. Review status: criteria provided, multiple submitters, no conflicts (2 of 4 stars). 2 submissions from 2 submitters: Uncertain significance (2). Last evaluated 2024-04-17.

Allele frequency attached by ClinVar (database versions not stated): ExAC 0.00001; gnomAD 0.00001 and 0.00002; gnomAD exomes 0.00001; TOPMed 0.00003; ESP Exome Variant Server 0.00008.
gnomAD v4.1: 14 of 1,612,760 alleles (0.00087%); highest among the groups gnomAD compares: East Asian, 0.0022%; no homozygotes.

Submissions (2):

Blueprint Genetics
Classification: Uncertain significance. Last evaluated: 2024-04-17. Review status: criteria provided, single submitter. Criteria: ACMG Guidelines, 2015. Collection method: clinical testing. Allele origin: germline.

Labcorp Genetics (formerly Invitae), Labcorp
Classification: Uncertain significance. Last evaluated: 2021-12-30. Review status: criteria provided, single submitter. Criteria: Invitae Variant Classification Sherloc (09022015). Collection method: clinical testing. Allele origin: germline.
Comment: This sequence change replaces serine, which is neutral and polar, with leucine, which is neutral and non-polar, at codon 570 of the TRAF3IP1 protein (p.Ser570Leu). This variant is present in population databases (rs148812100, gnomAD 0.002%). This variant has not been reported in the literature in individuals affected with TRAF3IP1-related conditions. Algorithms developed to predict the effect of missense changes on protein structure and function (SIFT, PolyPhen-2, Align-GVGD) all suggest that this variant is likely to be tolerated. In summary, the available evidence is currently insufficient to determine the role of this variant in disease. Therefore, it has been classified as a Variant of Uncertain Significance.